The following is an entry in ClinVar:

NM_000709.4(BCKDHA):c.47G>A (p.Gly16Asp)

Gene: BCKDHA (branched chain keto acid dehydrogenase E1 subunit alpha; plus strand). Cytogenetic location: 19q13.2.
Variant type: single nucleotide variant.
Coding change: c.47G>A on transcript NM_000709.4 (MANE Select); coding-DNA position 47, G replaced by A.
Protein change: p.Gly16Asp; replaces glycine 16 with aspartic acid.
Molecular consequence: missense variant.
Genome position (GRCh38, 1-based): chr19:41,397,874, G>A. VCF-style: chr19-41397874-G-A. GRCh37 (hg19) VCF-style: chr19-41903779-G-A.
Other names: c.47G>A, p.Gly16Asp (NM_001164783.2); short protein forms G16D.
Identifiers: ClinVar variation 972611 (VCV000972611.7), dbSNP rs766174938, ClinGen allele CA9460970.

ClinVar aggregate classification (germline): Uncertain significance. Review status: criteria provided, single submitter (1 of 4 stars). 2 submissions from 2 submitters: Uncertain significance (1). 1 of the submissions does not count toward it. Last evaluated 2021-09-02.

Conditions:
Maple syrup urine disease (MSUD). Identifiers: Orphanet 511, MedGen C0024776, MeSH D008375, MONDO:0009563. Disease mechanism: loss of function.
Maple syrup urine disease type 1A (MSUD1A). Also called: MSUD type 1A. Identifiers: MedGen C1855369, MONDO:0023691, OMIM 248600.

Allele frequency attached by ClinVar (database versions not stated): TOPMed below 0.00001; ExAC 0.00001; gnomAD 0.00001; gnomAD exomes 0.00001.
gnomAD v4.1: 6 of 1,614,066 alleles (0.00037%); highest among the groups gnomAD compares: Admixed American, 0.0017%; no homozygotes.

Submissions (2):

Labcorp Genetics (formerly Invitae), Labcorp
Classification: Uncertain significance for Maple syrup urine disease. Last evaluated: 2021-09-02. Review status: criteria provided, single submitter. Criteria: Invitae Variant Classification Sherloc (09022015). Collection method: clinical testing. Allele origin: germline.
Comment: This sequence change replaces glycine with aspartic acid at codon 16 of the BCKDHA protein (p.Gly16Asp). The glycine residue is highly conserved and there is a moderate physicochemical difference between glycine and aspartic acid. This variant is present in population databases (rs766174938, ExAC 0.002%). This variant has not been reported in the literature in individuals affected with BCKDHA-related conditions. Algorithms developed to predict the effect of missense changes on protein structure and function are either unavailable or do not agree on the potential impact of this missense change (SIFT: "Tolerated"; PolyPhen-2: "Possibly Damaging"; Align-GVGD: "Class C0"). In summary, the available evidence is currently insufficient to determine the role of this variant in disease. Therefore, it has been classified as a Variant of Uncertain Significance.

Natera, Inc.
Classification: Uncertain significance for Maple syrup urine disease type 1A. Last evaluated: 2021-04-14. Review status: no assertion criteria provided. Collection method: clinical testing. Allele origin: germline. Not counted in ClinVar's aggregate classification.